The following is an entry in ClinVar:

ClinVar aggregate classification (germline): Uncertain significance (1 of 4 stars; one submission).

Conditions:
Fanconi anemia complementation group Q. Identifiers: Orphanet 84, MedGen C3808988, MONDO:0014108, OMIM 615272.
Xeroderma pigmentosum, group F (XPF). Also called: XERODERMA PIGMENTOSUM VI; XP, GROUP F; XERODERMA PIGMENTOSUM, TYPE F; Xeroderma pigmentosum, type 6; XERODERMA PIGMENTOSUM, COMPLEMENTATION GROUP F; ERCC4-Related Xeroderma Pigmentosum. Identifiers: MedGen C0268140, MONDO:0010215, OMIM 278760.
Cockayne syndrome. Identifiers: Orphanet 191, MedGen C0009207, MONDO:0016006.

gnomAD v4.1: 1 of 1,612,720 alleles (0.000062%); highest among the groups gnomAD compares: Admixed American, 0.0017%; no homozygotes.

Submission:

Labcorp Genetics (formerly Invitae), Labcorp
Classification: Uncertain significance for Fanconi anemia complementation group Q; Xeroderma pigmentosum, group F; Cockayne syndrome. Last evaluated: 2020-08-17. Review status: criteria provided, single submitter. Criteria: Invitae Variant Classification Sherloc (09022015). Collection method: clinical testing. Allele origin: germline.
Comment: This sequence change replaces valine with isoleucine at codon 343 of the ERCC4 protein (p.Val343Ile). The valine residue is highly conserved and there is a small physicochemical difference between valine and isoleucine. This variant is not present in population databases (ExAC no frequency). This variant has not been reported in the literature in individuals with ERCC4-related conditions. Algorithms developed to predict the effect of missense changes on protein structure and function are either unavailable or do not agree on the potential impact of this missense change (SIFT: "Tolerated"; PolyPhen-2: "Possibly Damaging"; Align-GVGD: "Class C0"). In summary, the available evidence is currently insufficient to determine the role of this variant in disease. Therefore, it has been classified as a Variant of Uncertain Significance.

NM_005236.3(ERCC4):c.1027G>A (p.Val343Ile)

Gene: ERCC4 (ERCC excision repair 4, endonuclease catalytic subunit; plus strand). Cytogenetic location: 16p13.12.
Variant type: single nucleotide variant.
Coding change: c.1027G>A on transcript NM_005236.3 (MANE Select); coding-DNA position 1027, G replaced by A.
Protein change: p.Val343Ile; replaces valine 343 with isoleucine.
Molecular consequence: missense variant.
Genome position (GRCh38, 1-based): chr16:13,932,210, G>A. VCF-style: chr16-13932210-G-A. GRCh37 (hg19) VCF-style: chr16-14026067-G-A.
Other names: short protein forms V343I.
Identifiers: ClinVar variation 1052787 (VCV001052787.9), dbSNP rs755219554, ClinGen allele CA394805326.